The following is an entry in ClinVar:

NM_000441.2(SLC26A4):c.2062_2071del (p.Val688fs)

Gene: SLC26A4 (solute carrier family 26 member 4; plus strand). Cytogenetic location: 7q22.3.
Variant type: Deletion.
Coding change: c.2062_2071del on transcript NM_000441.2 (MANE Select); coding-DNA positions 2062 to 2071, 10 bases deleted (GTGAATGTGT; older notation c.2062_2071delGTGAATGTGT).
Protein change: p.Val688fs; shifts the reading frame from valine 688.
Molecular consequence: frameshift variant.
Genome position (GRCh38, 1-based): chr7:107,704,358-107,704,367, GTGAATGTGT deleted; deleting any 10 consecutive bases within chr7:107,704,357-107,704,367 gives the same sequence; the c. name uses the placement nearest the transcript's 3' end. VCF-style (leftmost placement, unchanged base first): chr7-107704356-ATGTGAATGTG-A. GRCh37 (hg19) VCF-style: chr7-107344801-ATGTGAATGTG-A.
Other names: short protein forms V688fs.
Identifiers: ClinVar variation 1725449 (VCV001725449.2), dbSNP rs2535341687, ClinGen allele CA2580076176.

ClinVar aggregate classification (germline): Likely pathogenic (1 of 4 stars; one submission).

Conditions:
Pendred syndrome (PDS). Also called: Pendred Syndrome (PDS); GOITER-DEAFNESS SYNDROME; HYPOTHYROIDISM, CONGENITAL, DUE TO DYSHORMONOGENESIS, 2B; Pendred's syndrome; DEAFNESS WITH GOITER; THYROID DYSHORMONOGENESIS 2B. Identifiers: Orphanet 705, MedGen C0271829, MONDO:0010134, OMIM 274600.

Submission:

Myriad Genetics, Inc.
Classification: Likely pathogenic for Pendred syndrome. Last evaluated: 2022-03-22. Review status: criteria provided, single submitter. Criteria: Myriad Women's Health Autosomal Recessive and X-Linked Classification Criteria (2021). Collection method: clinical testing. Allele origin: unknown.
Comment: NM_000441.1(SLC26A4):c.2062_2071del10(V688Ifs*9) is expected to be pathogenic in the context of Pendred syndrome. This variant is predicted to lead to an abnormal or absent protein product due to the creation of a premature termination codon in SLC26A4, a gene where loss-of-function variants are known to be pathogenic. Please note: this variant was assessed in the context of healthy population screening.